The following is an entry in ClinVar:

ClinVar aggregate classification (germline): Uncertain significance (1 of 4 stars; one submission).

Allele frequency attached by ClinVar (database versions not stated): gnomAD 0.00001; TOPMed 0.00002.
gnomAD v4.1: 2 of 1,614,120 alleles (0.00012%); highest among the groups gnomAD compares: African/African-American, 0.0027%; no homozygotes.

Submission:

Labcorp Genetics (formerly Invitae), Labcorp
Classification: Uncertain significance. Last evaluated: 2022-03-21. Review status: criteria provided, single submitter. Criteria: Invitae Variant Classification Sherloc (09022015). Collection method: clinical testing. Allele origin: germline.
Comment: This variant has not been reported in the literature in individuals affected with KANK4-related conditions. In summary, the available evidence is currently insufficient to determine the role of this variant in disease. Therefore, it has been classified as a Variant of Uncertain Significance. Algorithms developed to predict the effect of missense changes on protein structure and function are either unavailable or do not agree on the potential impact of this missense change (SIFT: "Tolerated"; PolyPhen-2: "Possibly Damaging"; Align-GVGD: "Class C0"). This variant is present in population databases (no rsID available, gnomAD 0.01%). This sequence change replaces glutamic acid, which is acidic and polar, with lysine, which is basic and polar, at codon 196 of the KANK4 protein (p.Glu196Lys).

NM_181712.5(KANK4):c.586G>A (p.Glu196Lys)

Gene: KANK4 (KN motif and ankyrin repeat domains 4; minus strand). Cytogenetic location: 1p31.3.
Variant type: single nucleotide variant.
Coding change: c.586G>A on transcript NM_181712.5 (MANE Select); coding-DNA position 586, G replaced by A.
Protein change: p.Glu196Lys; replaces glutamic acid 196 with lysine.
Molecular consequence: missense variant. On other transcripts: intron variant (1).
Genome position (GRCh38, 1-based): chr1:62,274,518, C>T on the plus strand (G>A on the coding strand, the complement: KANK4 is on the minus strand). VCF-style: chr1-62274518-C-T. GRCh37 (hg19) VCF-style: chr1-62740190-C-T.
Other names: c.17-2929G>A (NM_001320269.2); short protein forms E196K.
Identifiers: ClinVar variation 1958057 (VCV001958057.5), dbSNP rs994627427, ClinGen allele CA23696760.